The following is an entry in ClinVar:

ClinVar aggregate classification (germline): Pathogenic (1 of 4 stars; one submission).

Conditions:
Progressive muscular dystrophy. Identifiers: Orphanet 206644, MedGen C4551827, MONDO:0016106.

Submission:

Myriad Genetics, Inc.
Classification: Pathogenic for Progressive muscular dystrophy. Last evaluated: 2025-09-24. Review status: criteria provided, single submitter. Criteria: Myriad Autosomal Dominant, Autosomal Recessive and X-Linked Classification Criteria (2023). Collection method: clinical testing. Allele origin: unknown.
Comment: NM_004006.2(DMD):c.10432delA(S3478Vfs*2) is a frameshift variant classified as pathogenic in the context of dystrophinopathy (including Duchenne/Becker muscular dystrophy). S3478Vfs*2 has not been observed in cases with relevant disease. Relevant functional assessments of this variant are not available in the literature. S3478Vfs*2 has not been observed in referenced population frequency databases. In summary, NM_004006.2(DMD):c.10432delA(S3478Vfs*2) is a frameshift variant in a gene where loss of function is a known mechanism of disease and is predicted to disrupt protein function. Please note: this variant was assessed in the context of healthy population screening.

NM_004006.3(DMD):c.10432del (p.Ser3478fs)

Gene: DMD (dystrophin; minus strand). Cytogenetic location: Xp21.2.
Variant type: Deletion.
Coding change: c.10432del on transcript NM_004006.3 (MANE Select); coding-DNA position 10432, one base deleted (A; older notation c.10432delA).
Protein change: p.Ser3478fs; shifts the reading frame from serine 3478.
Molecular consequence: frameshift variant. On other transcripts: intron variant (2).
Genome position (GRCh38, 1-based): chrX:31,169,564, T deleted on the plus strand (A on the coding strand, the reverse complement: DMD is on the minus strand); the first of 3 consecutive T bases (chrX:31,169,564-31,169,566); deleting any one gives the same sequence. VCF-style (leftmost placement, unchanged base first): chrX-31169563-CT-C. GRCh37 (hg19) VCF-style: chrX-31187680-CT-C.
Other names: c.10408del, p.Ser3470fs (NM_000109.4); c.10420del, p.Ser3474fs (NM_004009.3); c.10063del, p.Ser3355fs (NM_004010.3); c.6409del, p.Ser2137fs (NM_004011.4); c.6400del, p.Ser2134fs (NM_004012.4); c.3052del, p.Ser1018fs (NM_004013.3, NM_004021.3); c.2245del, p.Ser749fs (NM_004014.3); c.1228del, p.Ser410fs (NM_004015.3, NM_004016.3); and 3 more; short protein forms S3470fs, S1005fs, S1018fs, S3478fs, S397fs, S2137fs, S3474fs, S410fs.
Identifiers: ClinVar variation 5004188 (VCV005004188.1).